The following is an entry in ClinVar:

ClinVar aggregate classification (germline): Uncertain significance (1 of 4 stars; one submission).

Allele frequency attached by ClinVar (database versions not stated): gnomAD exomes below 0.00001.

Submission:

GeneDx
Classification: Uncertain significance. Last evaluated: 2017-04-06. Review status: criteria provided, single submitter. Criteria: GeneDx Variant Classification (06012015). Collection method: clinical testing. Allele origin: germline. Affected: yes.
Comment: The E227G variant has not been published as a pathogenic variant, nor has it been reported as a benign variant to our knowledge. The E227G variant is not observed in large population cohorts (Lek et al., 2016; 1000 Genomes Consortium et al., 2015; Exome Variant Server). This variant is a non-conservative amino acid substitution, which is likely to impact secondary protein structure as these residues differ in polarity, charge, size and/or other properties. This substitution occurs at a position that is conserved across species, and in silico analysis predicts this variant is probably damaging to the protein structure/function. However, missense variants in nearby residues have not been reported in the Human Gene Mutation Database in association with SEPN1-related disorders (Stenson et al., 2014).

NM_206926.2(SELENON):c.578A>G (p.Glu193Gly)

Gene: SELENON (selenoprotein N; plus strand). Cytogenetic location: 1p36.11.
Variant type: single nucleotide variant.
Coding change: c.578A>G on transcript NM_206926.2 (MANE Select); coding-DNA position 578, A replaced by G.
Protein change: p.Glu193Gly; replaces glutamic acid 193 with glycine.
Molecular consequence: missense variant.
Genome position (GRCh38, 1-based): chr1:25,808,722, A>G. VCF-style: chr1-25808722-A-G. GRCh37 (hg19) VCF-style: chr1-26135213-A-G.
Other names: c.680A>G, p.Glu227Gly (NM_020451.3); short protein forms E227G, E193G.
Identifiers: ClinVar variation 426716 (VCV000426716.2), dbSNP rs1085307758, ClinGen allele CA339112178.
Genomic context (GRCh38, chr1:25,808,722, plus strand): 5'-AGCCCTTCCTTCCCCCGCCAGGCCAGGAGCTGGGTGAGCCCTGGTGGATCATCCCCAGTG[A>G]GCTGAGCATGTTCACTGGCTACCTGTCCAACAACCGCTTCTATCCACCGCCGCCCAAGGG-3'
Protein context (NP_996809.1, residues 183-203): LGEPWWIIPS[Glu193Gly]LSMFTGYLSN